The following is an entry in ClinVar:

ClinVar aggregate classification (germline): Uncertain significance. Review status: criteria provided, multiple submitters, no conflicts (2 of 4 stars). 2 submissions from 2 submitters: Uncertain significance (2). Last evaluated 2025-12-23.

Conditions:
Myofibrillar myopathy 5. Also called: Filaminopathy (type); FILAMINOPATHY, AUTOSOMAL DOMINANT. Identifiers: Orphanet 171445, MedGen C1836050, MONDO:0012289, OMIM 609524.
Hypertrophic cardiomyopathy 26. Also called: Cardiomyopathy, familial hypertrophic, 26. Identifiers: Orphanet 75249, MedGen C4310749, MONDO:0014883, OMIM 617047.
Distal myopathy with posterior leg and anterior hand involvement. Also called: WILLIAMS DISTAL MYOPATHY. Identifiers: Orphanet 63273, MedGen C3279722, MONDO:0013550, OMIM 614065.

Submissions (2):

Labcorp Genetics (formerly Invitae), Labcorp
Classification: Uncertain significance for Distal myopathy with posterior leg and anterior hand involvement; Myofibrillar myopathy 5; Hypertrophic cardiomyopathy 26. Last evaluated: 2025-12-23. Review status: criteria provided, single submitter. Criteria: Invitae Variant Classification Sherloc (09022015). Collection method: clinical testing. Allele origin: germline.
Comment: This variant, c.142_162dup, results in the insertion of 7 amino acid(s) of the FLNC protein (p.Glu48_Gly54dup), but otherwise preserves the integrity of the reading frame. This variant is not present in population databases (gnomAD no frequency). This variant has not been reported in the literature in individuals affected with FLNC-related conditions. ClinVar contains an entry for this variant (Variation ID: 838514). In summary, the available evidence is currently insufficient to determine the role of this variant in disease. Therefore, it has been classified as a Variant of Uncertain Significance.

Mayo Clinic Laboratories, Mayo Clinic
Classification: Uncertain significance. Last evaluated: 2023-05-17. Review status: criteria provided, single submitter. Criteria: ACMG Guidelines, 2015. Collection method: clinical testing. Allele origin: germline. Observed: 1 variant allele.
Comment: PM2_supporting, PM4

NM_001458.5(FLNC):c.142_162dup (p.Glu48_Gly54dup)

Gene: FLNC (filamin C; plus strand). Cytogenetic location: 7q32.1.
Variant type: Duplication.
Coding change: c.142_162dup on transcript NM_001458.5 (MANE Select); coding-DNA positions 142 to 162, 21 bases duplicated (GAGCACCTCAAGTGCGTGGGC).
Protein change: p.Glu48_Gly54dup.
Molecular consequence: inframe insertion.
Genome position (GRCh38, 1-based): chr7:128,830,779-128,830,799, GAGCACCTCAAGTGCGTGGGC duplicated. VCF-style (leftmost placement, unchanged base first): chr7-128830778-T-TGAGCACCTCAAGTGCGTGGGC. GRCh37 (hg19) VCF-style: chr7-128470832-T-TGAGCACCTCAAGTGCGTGGGC.
Other names: p.Glu48_Gly54dup; c.142_162dup, p.Glu48_Gly54dup (NM_001127487.2).
Identifiers: ClinVar variation 838514 (VCV000838514.11), dbSNP rs1807853629, ClinGen allele CA916082311.
Genomic context (GRCh38, chr7:128,830,778, plus strand): 5'-CCTGGCGGAGGACGCGCCGTGGAAGAAGATCCAGCAGAACACATTCACGCGCTGGTGCAA[T>TGAGCACCTCAAGTGCGTGGGC]GAGCACCTCAAGTGCGTGGGCAAGCGCCTGACCGACCTGCAGCGCGACCTCAGCGACGGG-3'